The following is an entry in ClinVar:

ClinVar aggregate classification (germline): Uncertain significance. Review status: criteria provided, multiple submitters, no conflicts (2 of 4 stars). 3 submissions from 3 submitters: Uncertain significance (3). Last evaluated 2025-12-01.

Allele frequency attached by ClinVar (database versions not stated): TOPMed 0.00006; gnomAD exomes 0.00008 and 0.00010; gnomAD 0.00009 and 0.00010; ExAC 0.00011.
gnomAD v4.1: 132 of 1,613,626 alleles (0.0082%); highest among the groups gnomAD compares: South Asian, 0.027%; no homozygotes.

Submissions (3):

Labcorp Genetics (formerly Invitae), Labcorp
Classification: Uncertain significance. Last evaluated: 2025-12-01. Review status: criteria provided, single submitter. Criteria: Invitae Variant Classification Sherloc (09022015). Collection method: clinical testing. Allele origin: germline.
Comment: This sequence change replaces arginine, which is basic and polar, with glutamine, which is neutral and polar, at codon 2473 of the ACAN protein (p.Arg2473Gln). This variant is present in population databases (rs755055654, gnomAD 0.03%). This variant has not been reported in the literature in individuals affected with ACAN-related conditions. ClinVar contains an entry for this variant (Variation ID: 1192080). An algorithm developed to predict the effect of missense changes on protein structure and function (PolyPhen-2) suggests that this variant is likely to be disruptive. In summary, the available evidence is currently insufficient to determine the role of this variant in disease. Therefore, it has been classified as a Variant of Uncertain Significance.

Blueprint Genetics
Classification: Uncertain significance. Last evaluated: 2024-11-08. Review status: criteria provided, single submitter. Criteria: ACMG Guidelines, 2015. Collection method: clinical testing. Allele origin: germline.

GeneDx
Classification: Uncertain significance. Last evaluated: 2020-12-11. Review status: criteria provided, single submitter. Criteria: GeneDx Variant Classification Process June 2021. Collection method: clinical testing. Allele origin: germline. Affected: yes.
Comment: In silico analysis supports that this missense variant has a deleterious effect on protein structure/function; This variant is associated with the following publications: (PMID: 32935225)

NM_001369268.1(ACAN):c.7532G>A (p.Arg2511Gln)

Gene: ACAN (aggrecan; plus strand). Cytogenetic location: 15q26.1.
Variant type: single nucleotide variant.
Coding change: c.7532G>A on transcript NM_001369268.1 (MANE Select); coding-DNA position 7532, G replaced by A.
Protein change: p.Arg2511Gln; replaces arginine 2511 with glutamine.
Molecular consequence: missense variant. On other transcripts: intron variant (1).
Genome position (GRCh38, 1-based): chr15:88,873,926, G>A. VCF-style: chr15-88873926-G-A. GRCh37 (hg19) VCF-style: chr15-89417157-G-A.
Other names: c.7418G>A, p.Arg2473Gln (NM_013227.4); c.7220-479G>A (NM_001135.4); short protein forms R2473Q, R2511Q.
Identifiers: ClinVar variation 1192080 (VCV001192080.8), dbSNP rs755055654, ClinGen allele CA7720719.